The following is an entry in ClinVar:

ClinVar aggregate classification (germline): Uncertain significance (1 of 4 stars; one submission).

Conditions:
Primary ciliary dyskinesia. Also called: Ciliary dyskinesia. Identifiers: Orphanet 244, MedGen C0008780, MONDO:0016575, HP:0012265.

Allele frequency attached by ClinVar (database versions not stated): gnomAD exomes below 0.00001.
gnomAD v4.1: 1 of 1,614,192 alleles (0.000062%); highest among the groups gnomAD compares: East Asian, 0.0022%; no homozygotes.

Submission:

Labcorp Genetics (formerly Invitae), Labcorp
Classification: Uncertain significance for Primary ciliary dyskinesia. Last evaluated: 2024-01-19. Review status: criteria provided, single submitter. Criteria: Invitae Variant Classification Sherloc (09022015). Collection method: clinical testing. Allele origin: germline.
Comment: This sequence change replaces leucine, which is neutral and non-polar, with proline, which is neutral and non-polar, at codon 4191 of the DNAH5 protein (p.Leu4191Pro). This variant is present in population databases (no rsID available, gnomAD 0.006%). This variant has not been reported in the literature in individuals affected with DNAH5-related conditions. ClinVar contains an entry for this variant (Variation ID: 1054946). Advanced modeling of protein sequence and biophysical properties (such as structural, functional, and spatial information, amino acid conservation, physicochemical variation, residue mobility, and thermodynamic stability) performed at Invitae indicates that this missense variant is not expected to disrupt DNAH5 protein function with a negative predictive value of 95%. In summary, the available evidence is currently insufficient to determine the role of this variant in disease. Therefore, it has been classified as a Variant of Uncertain Significance.

NM_001369.3(DNAH5):c.12572T>C (p.Leu4191Pro)

Gene: DNAH5 (dynein axonemal heavy chain 5; minus strand). Cytogenetic location: 5p15.2.
Variant type: single nucleotide variant.
Coding change: c.12572T>C on transcript NM_001369.3 (MANE Select); coding-DNA position 12572, T replaced by C.
Protein change: p.Leu4191Pro; replaces leucine 4191 with proline.
Molecular consequence: missense variant.
Genome position (GRCh38, 1-based): chr5:13,717,448, A>G on the plus strand (T>C on the coding strand, the complement: DNAH5 is on the minus strand). VCF-style: chr5-13717448-A-G. GRCh37 (hg19) VCF-style: chr5-13717557-A-G.
Other names: short protein forms L4191P.
Identifiers: ClinVar variation 1054946 (VCV001054946.9), dbSNP rs1312032248, ClinGen allele CA359207750.